The following is an entry in ClinVar:

NM_201384.3(PLEC):c.1771C>G (p.Arg591Gly)

Gene: PLEC (plectin; minus strand). Cytogenetic location: 8q24.3.
Variant type: single nucleotide variant.
Coding change: c.1771C>G on transcript NM_201384.3 (MANE Select); coding-DNA position 1771, C replaced by G.
Protein change: p.Arg591Gly; replaces arginine 591 with glycine.
Molecular consequence: missense variant.
Genome position (GRCh38, 1-based): chr8:143,932,679, G>C on the plus strand (C>G on the coding strand, the complement: PLEC is on the minus strand). VCF-style: chr8-143932679-G-C. GRCh37 (hg19) VCF-style: chr8-145006847-G-C.
Other names: c.1852C>G, p.Arg618Gly (NM_000445.5); c.1729C>G, p.Arg577Gly (NM_201378.4); c.1705C>G, p.Arg569Gly (NM_201379.3); c.2182C>G, p.Arg728Gly (NM_201380.4); c.1675C>G, p.Arg559Gly (NM_201381.3); c.1771C>G, p.Arg591Gly (NM_201382.4); c.1783C>G, p.Arg595Gly (NM_201383.3); short protein forms R577G, R595G, R559G, R569G, R618G, R591G, R728G.
Identifiers: ClinVar variation 1348861 (VCV001348861.8), dbSNP rs376215217, ClinGen allele CA372578965.

ClinVar aggregate classification (germline): Uncertain significance (1 of 4 stars; one submission).

Conditions:
Epidermolysis bullosa simplex 5B, with muscular dystrophy (EBS5B). Also called: Epidermolysis bullosa simplex with muscular dystrophy; EPIDERMOLYSIS BULLOSA SIMPLEX AND LIMB-GIRDLE MUSCULAR DYSTROPHY. Identifiers: Orphanet 257, MedGen C2931072, MONDO:0009181, OMIM 226670.
Epidermolysis bullosa simplex, Ogna type (EBS5A). Also called: Pidermolysis bullosa simplex 5A, Ogna type; EPIDERMOLYSIS BULLOSA SIMPLEX 5A, OGNA TYPE. Identifiers: Orphanet 79401, MedGen C0432317, MONDO:0007555, OMIM 131950.
Epidermolysis bullosa simplex 5C, with pyloric atresia (EBS5C). Also called: PLEC1-Related Epidermolysis Bullosa with Pyloric Atresia; PLEC-Related Epidermolysis Bullosa with Pyloric Atresia; Epidermolysis bullosa simplex with pyloric atresia. Identifiers: Orphanet 158684, MedGen C2677349, MONDO:0012807, OMIM 612138.
Epidermolysis bullosa simplex with nail dystrophy (EBS5D). Identifiers: MedGen C4225309, MONDO:0014661, OMIM 616487.
Autosomal recessive limb-girdle muscular dystrophy type 2Q (LGMDR17). Also called: MUSCULAR DYSTROPHY, LIMB-GIRDLE, AUTOSOMAL RECESSIVE 17. Identifiers: Orphanet 254361, MedGen C3150989, MONDO:0013390, OMIM 613723.

Submission:

Labcorp Genetics (formerly Invitae), Labcorp
Classification: Uncertain significance for Autosomal recessive limb-girdle muscular dystrophy type 2Q; Epidermolysis bullosa simplex, Ogna type; Epidermolysis bullosa simplex with nail dystrophy; Epidermolysis bullosa simplex 5C, with pyloric atresia; Epidermolysis bullosa simplex 5B, with muscular dystrophy. Last evaluated: 2022-07-06. Review status: criteria provided, single submitter. Criteria: Invitae Variant Classification Sherloc (09022015). Collection method: clinical testing. Allele origin: germline.
Comment: In summary, the available evidence is currently insufficient to determine the role of this variant in disease. Therefore, it has been classified as a Variant of Uncertain Significance. Algorithms developed to predict the effect of sequence changes on RNA splicing suggest that this variant may create or strengthen a splice site. Algorithms developed to predict the effect of missense changes on protein structure and function are either unavailable or do not agree on the potential impact of this missense change (SIFT: "Tolerated"; PolyPhen-2: "Not Available"; Align-GVGD: "Class C0"). ClinVar contains an entry for this variant (Variation ID: 1348861). This variant has not been reported in the literature in individuals affected with PLEC-related conditions. This variant is not present in population databases (gnomAD no frequency). This sequence change replaces arginine, which is basic and polar, with glycine, which is neutral and non-polar, at codon 618 of the PLEC protein (p.Arg618Gly).